The following is an entry in ClinVar:

ClinVar aggregate classification (germline): Uncertain significance (1 of 4 stars; one submission).

Conditions:
Hereditary cancer-predisposing syndrome. Also called: Hereditary neoplastic syndrome; Neoplastic Syndromes, Hereditary; Tumor predisposition; Hereditary Cancer Syndrome. Identifiers: Orphanet 140162, MedGen C0027672, MeSH D009386, MONDO:0015356.

gnomAD v4.1: 1 of 1,614,084 alleles (0.000062%); highest among the groups gnomAD compares: Non-Finnish European, 0.000085%; no homozygotes.

Submission:

Ambry Genetics
Classification: Uncertain significance for Hereditary cancer-predisposing syndrome. Last evaluated: 2025-03-14. Review status: criteria provided, single submitter. Criteria: Ambry Variant Classification Scheme 2023. Collection method: clinical testing. Allele origin: germline.
Comment: The p.S460T variant (also known as c.1378T>A), located in coding exon 13 of the BAP1 gene, results from a T to A substitution at nucleotide position 1378. The serine at codon 460 is replaced by threonine, an amino acid with similar properties. This amino acid position is conserved. In addition, this alteration is predicted to be tolerated by in silico analysis. Based on the available evidence, the clinical significance of this variant remains unclear.

NM_004656.4(BAP1):c.1378T>A (p.Ser460Thr)

Gene: BAP1 (BRCA1 associated deubiquitinase 1; minus strand). Cytogenetic location: 3p21.1.
Variant type: single nucleotide variant.
Coding change: c.1378T>A on transcript NM_004656.4 (MANE Select); coding-DNA position 1378, T replaced by A.
Protein change: p.Ser460Thr; replaces serine 460 with threonine.
Molecular consequence: missense variant.
Genome position (GRCh38, 1-based): chr3:52,403,767, A>T on the plus strand (T>A on the coding strand, the complement: BAP1 is on the minus strand). VCF-style: chr3-52403767-A-T. GRCh37 (hg19) VCF-style: chr3-52437783-A-T.
Other names: c.1324T>A, p.Ser442Thr (NM_001410772.1); short protein forms S460T, S442T.
Identifiers: ClinVar variation 3819430 (VCV003819430.1).
Genomic context (GRCh38, chr3:52,403,767, plus strand): 5'-TGGGCACTGCCACAGCCGGACTCCCAGCCCCGCTGCTAGTCTTGATGGACAGAGGAATTG[A>T]GAGGTCCTTCTGGGACTCTTTGAGCTTCTCAGCCAAGACGTTGATGGTGTTGGGCTGCAG-3'
Protein context (NP_004647.1, residues 450-470): EKLKESQKDL[Ser460Thr]IPLSIKTSSG